The following is an entry in ClinVar:

ClinVar aggregate classification (germline): Conflicting classifications of pathogenicity. Review status: criteria provided, conflicting classifications (1 of 4 stars). 3 submissions from 3 submitters: Uncertain significance (1); Benign (1). 1 of the submissions does not count toward it. Last evaluated 2025-11-25.

Conditions:
HUWE1-related disorder. Also called: HUWE1-related condition.

Allele frequency attached by ClinVar (database versions not stated): ExAC 0.00002; gnomAD exomes 0.00002 and 0.00015; gnomAD 0.00006 and 0.00007; TOPMed 0.00008; ESP Exome Variant Server 0.00019.
gnomAD v4.1: 165 of 1,180,626 alleles (0.014%); highest among the groups gnomAD compares: Non-Finnish European, 0.018%; no homozygotes.

Submissions (3):

Labcorp Genetics (formerly Invitae), Labcorp
Classification: Benign. Last evaluated: 2025-11-25. Review status: criteria provided, single submitter. Criteria: Invitae Variant Classification Sherloc (09022015). Collection method: clinical testing. Allele origin: germline.

Genetic Services Laboratory, University of Chicago
Classification: Uncertain significance. Last evaluated: 2015-05-06. Review status: criteria provided, single submitter. Criteria: ACMG Guidelines, 2015. Collection method: clinical testing. Allele origin: germline.

PreventionGenetics, part of Exact Sciences
Classification: Likely benign for HUWE1-related condition. Last evaluated: 2023-04-22. Review status: no assertion criteria provided. Collection method: clinical testing. Allele origin: germline. Not counted in ClinVar's aggregate classification.
Comment: This variant is classified as likely benign based on ACMG/AMP sequence variant interpretation guidelines (Richards et al. 2015 PMID: 25741868, with internal and published modifications).

NM_031407.7(HUWE1):c.147C>T (p.Cys49=)

Gene: HUWE1 (HECT, UBA and WWE domain containing E3 ubiquitin protein ligase 1; minus strand). Cytogenetic location: Xp11.22.
Variant type: single nucleotide variant.
Coding change: c.147C>T on transcript NM_031407.7 (MANE Select); coding-DNA position 147, C replaced by T.
Protein change: p.Cys49=; no amino-acid change (cysteine 49 retained).
Molecular consequence: synonymous variant.
Genome position (GRCh38, 1-based): chrX:53,647,572, G>A on the plus strand (C>T on the coding strand, the complement: HUWE1 is on the minus strand). VCF-style: chrX-53647572-G-A. GRCh37 (hg19) VCF-style: chrX-53674515-G-A.
Other names: c.147C>T (NM_031407.6).
Identifiers: ClinVar variation 211163 (VCV000211163.12), dbSNP rs149435515, ClinGen allele CA208832.